The following is an entry in ClinVar:

NM_014739.3(BCLAF1):c.944C>A (p.Ser315Tyr)

Gene: BCLAF1 (BCL2 associated transcription factor 1; minus strand). Cytogenetic location: 6q23.3.
Variant type: single nucleotide variant.
Coding change: c.944C>A on transcript NM_014739.3 (MANE Select); coding-DNA position 944, C replaced by A.
Protein change: p.Ser315Tyr; replaces serine 315 with tyrosine.
Molecular consequence: missense variant. On other transcripts: non-coding transcript variant (7).
Genome position (GRCh38, 1-based): chr6:136,277,937, G>T on the plus strand (C>A on the coding strand, the complement: BCLAF1 is on the minus strand). VCF-style: chr6-136277937-G-T. GRCh37 (hg19) VCF-style: chr6-136599075-G-T.
Other names: c.938C>A, p.Ser313Tyr (NM_001077440.3, NM_001301038.3, NM_001386696.1 and 2 more transcripts); c.944C>A, p.Ser315Tyr (NM_001077441.3, NM_001363659.3, NM_001386693.1 and 8 more transcripts); short protein forms S313Y, S315Y.
Identifiers: ClinVar variation 1766982 (VCV001766982.2), dbSNP rs759512929, ClinGen allele CA365756195.

ClinVar aggregate classification (germline): Uncertain significance (1 of 4 stars; one submission).

Submission:

Ambry Genetics
Classification: Uncertain significance. Last evaluated: 2021-12-10. Review status: criteria provided, single submitter. Criteria: Ambry Variant Classification Scheme 2023. Collection method: clinical testing. Allele origin: germline.
Comment: The p.S315Y variant (also known as c.944C>A), located in coding exon 2 of the BCLAF1 gene, results from a C to A substitution at nucleotide position 944. The serine at codon 315 is replaced by tyrosine, an amino acid with dissimilar properties. This amino acid position is conserved. In addition, this alteration is predicted to be tolerated by in silico analysis. Since supporting evidence is limited at this time, the clinical significance of this alteration remains unclear.